The following is an entry in ClinVar:

ClinVar aggregate classification (germline): Pathogenic (1 of 4 stars; one submission).

Conditions:
Arrhythmogenic cardiomyopathy with wooly hair and keratoderma. Also called: PALMOPLANTAR KERATODERMA WITH LEFT VENTRICULAR CARDIOMYOPATHY AND WOOLLY HAIR; Arrhythmogenic cardiomyopathy with woolly hair and keratoderma; Carvajal syndrome; Dilated cardiomyopathy with woolly hair and keratoderma. Identifiers: Orphanet 65282, MedGen C1854063, MONDO:0011581, OMIM 605676.
Arrhythmogenic right ventricular dysplasia 8 (ARVD8). Also called: ARRHYTHMOGENIC RIGHT VENTRICULAR DYSPLASIA, FAMILIAL, 8; ARRHYTHMOGENIC RIGHT VENTRICULAR CARDIOMYOPATHY 8; Arrhythmogenic Right Ventricular Dysplasia/Cardiomyopathy 8. Identifiers: MedGen C1843896, MONDO:0011831, OMIM 607450.

Submission:

Labcorp Genetics (formerly Invitae), Labcorp
Classification: Pathogenic for Arrhythmogenic cardiomyopathy with wooly hair and keratoderma; Arrhythmogenic right ventricular dysplasia 8. Last evaluated: 2025-10-02. Review status: criteria provided, single submitter. Criteria: Invitae Variant Classification Sherloc (09022015). Collection method: clinical testing. Allele origin: germline.
Comment: This variant results in the deletion of part of exon 1 (c.169_170+13del) of the DSP gene. It is expected to disrupt RNA splicing. Variants that disrupt the donor or acceptor splice site typically lead to a loss of protein function (PMID: 16199547), and loss-of-function variants in DSP are known to be pathogenic (PMID: 20716751, 24503780, 25227139, 30398466). This variant is not present in population databases (gnomAD no frequency). This variant has been observed in individuals with clinical features of DSP-related conditions (internal data). ClinVar contains an entry for this variant (Variation ID: 1068012). For these reasons, this variant has been classified as Pathogenic.

Literature cited by the submitters: PubMed 16199547; PubMed 20716751; PubMed 24503780; PubMed 25227139; PubMed 30398466.

NM_004415.4(DSP):c.169_170+13del

Genes: DSP-AS1 (DSP antisense RNA 1; minus strand), DSP (desmoplakin; plus strand). Cytogenetic location: 6p24.3.
Variant type: Deletion.
Coding change: c.169_170+13del on transcript NM_004415.4 (MANE Select); coding-DNA position 169 through 13 bases into the intron after coding-DNA position 170, 15 bases deleted (TGGTGGGTACCTGCC).
Molecular consequence: splice donor variant.
Genome position (GRCh38, 1-based): chr6:7,542,084-7,542,098, TGGTGGGTACCTGCC deleted; deleting any 15 consecutive bases within chr6:7,542,083-7,542,098 gives the same sequence; the c. name uses the placement nearest the transcript's 3' end. VCF-style (leftmost placement, unchanged base first): chr6-7542082-ACTGGTGGGTACCTGC-A. GRCh37 (hg19) VCF-style: chr6-7542315-ACTGGTGGGTACCTGC-A.
Other names: c.169_170+13del (NM_001319034.2, NM_001008844.3).
Identifiers: ClinVar variation 1068012 (VCV001068012.7), dbSNP rs2113629234, ClinGen allele CA2499218540.
Genomic context (GRCh38, chr6:7,542,082, plus strand): 5'-GCACCAGCAGGATGTACTATTCTCGGCGCGGCGTGATCACCGACCAGAACTCGGACGGCT[ACTGGTGGGTACCTGC>A]CCGGAGAGCGCGGGCTGCGGGGCTCGCGGGACAGGGAGGGACCGTCCTCCTCTGGACGAC-3'